The following is an entry in ClinVar:

NM_006796.3(AFG3L2):c.1238G>A (p.Gly413Glu)

Gene: AFG3L2 (AFG3 like matrix AAA peptidase subunit 2; minus strand). Cytogenetic location: 18p11.21.
Variant type: single nucleotide variant.
Coding change: c.1238G>A on transcript NM_006796.3 (MANE Select); coding-DNA position 1238, G replaced by A.
Protein change: p.Gly413Glu; replaces glycine 413 with glutamic acid.
Molecular consequence: missense variant.
Genome position (GRCh38, 1-based): chr18:12,353,085, C>T on the plus strand (G>A on the coding strand, the complement: AFG3L2 is on the minus strand). VCF-style: chr18-12353085-C-T. GRCh37 (hg19) VCF-style: chr18-12353084-C-T.
Other names: short protein forms G413E.
Identifiers: ClinVar variation 3372471 (VCV003372471.1).

ClinVar aggregate classification (germline): Uncertain significance (1 of 4 stars; one submission).

Submission:

GeneDx
Classification: Uncertain significance. Last evaluated: 2024-04-15. Review status: criteria provided, single submitter. Criteria: GeneDx Variant Classification Process June 2021. Collection method: clinical testing. Allele origin: germline. Affected: yes.
Comment: Not observed at significant frequency in large population cohorts (gnomAD); In silico analysis supports that this missense variant has a deleterious effect on protein structure/function; Has not been previously published as pathogenic or benign to our knowledge